The following is an entry in ClinVar:

NM_000179.3(MSH6):c.2627A>G (p.Glu876Gly)

Gene: MSH6 (mutS homolog 6; plus strand). Cytogenetic location: 2p16.3.
Variant type: single nucleotide variant.
Coding change: c.2627A>G on transcript NM_000179.3 (MANE Select); coding-DNA position 2627, A replaced by G.
Protein change: p.Glu876Gly; replaces glutamic acid 876 with glycine.
Molecular consequence: missense variant. On other transcripts: non-coding transcript variant (5), intron variant (3).
Genome position (GRCh38, 1-based): chr2:47,800,610, A>G. VCF-style: chr2-47800610-A-G. GRCh37 (hg19) VCF-style: chr2-48027749-A-G.
Other names: c.2237A>G, p.Glu746Gly (NM_001281492.2); c.1721A>G, p.Glu574Gly (NM_001281493.2, NM_001281494.2, NM_001406811.1 and 6 more transcripts); c.2723A>G, p.Glu908Gly (NM_001406795.1, NM_001406802.1); c.2627A>G, p.Glu876Gly (NM_001406796.1, NM_001406798.1, NM_001406800.1 and 2 more transcripts); c.2330A>G, p.Glu777Gly (NM_001406797.1, NM_001406801.1, NM_001406805.1 and 10 more transcripts); c.2102A>G, p.Glu701Gly (NM_001406799.1, NM_001406806.1, NM_001406807.1); c.2549A>G, p.Glu850Gly (NM_001406804.1); c.2633A>G, p.Glu878Gly (NM_001406813.1); and 4 more; short protein forms E574G, E701G, E746G, E777G, E820G, E850G, E876G, E878G.
Identifiers: ClinVar variation 4758959 (VCV004758959.1).

ClinVar aggregate classification (germline): Uncertain significance (1 of 4 stars; one submission).

Conditions:
Hereditary cancer-predisposing syndrome. Also called: Neoplastic Syndromes, Hereditary; Hereditary neoplastic syndrome; Tumor predisposition; Hereditary Cancer Syndrome. Identifiers: Orphanet 140162, MedGen C0027672, MeSH D009386, MONDO:0015356.

Submission:

Color Diagnostics, LLC DBA Color Health
Classification: Uncertain significance for Hereditary cancer-predisposing syndrome. Last evaluated: 2025-07-08. Review status: criteria provided, single submitter. Criteria: ACMG Guidelines, 2015. Collection method: clinical testing. Allele origin: germline.
Comment: This missense variant replaces glutamic acid with glycine at codon 876 of the MSH6 protein. Computational prediction suggests that this variant may not impact protein structure and function. To our knowledge, functional studies have not been reported for this variant. This variant has not been reported in individuals affected with MSH6-related disorders in the literature. This variant has not been identified in the general population by the Genome Aggregation Database (gnomAD). The available evidence is insufficient to determine the role of this variant in disease conclusively. Therefore, this variant is classified as a Variant of Uncertain Significance.